The following is an entry in ClinVar:

ClinVar aggregate classification (germline): Uncertain significance (1 of 4 stars; one submission).

Conditions:
TET3-related disorder. Also called: TET3-related condition; TET3-Related Disease.

Submission:

PreventionGenetics, part of Exact Sciences
Classification: Uncertain significance for TET3-related condition. Last evaluated: 2024-10-25. Review status: criteria provided, single submitter. Criteria: ACMG Guidelines, 2015. Collection method: clinical testing. Allele origin: germline.
Comment: The TET3 c.2021A>G variant is predicted to result in the amino acid substitution p.Asp674Gly. To our knowledge, this variant has not been reported in the literature or in a large population database (gnomAD), indicating this variant is rare. At this time, the clinical significance of this variant is uncertain due to the absence of conclusive functional and genetic evidence.

NM_001287491.2(TET3):c.2021A>G (p.Asp674Gly)

Gene: TET3 (tet methylcytosine dioxygenase 3; plus strand). Cytogenetic location: 2p13.1.
Variant type: single nucleotide variant.
Coding change: c.2021A>G on transcript NM_001287491.2 (MANE Select); coding-DNA position 2021, A replaced by G.
Protein change: p.Asp674Gly; replaces aspartic acid 674 with glycine.
Molecular consequence: missense variant.
Genome position (GRCh38, 1-based): chr2:74,047,938, A>G. VCF-style: chr2-74047938-A-G. GRCh37 (hg19) VCF-style: chr2-74275065-A-G.
Other names: c.1742A>G, p.Asp581Gly (NM_001366022.1); short protein forms D674G, D581G.
Identifiers: ClinVar variation 5002324 (VCV005002324.1).
Genomic context (GRCh38, chr2:74,047,938, plus strand): 5'-CTGCTGTGCCCCTGCCCCCAGAACCTTCTCTTGCGCTATTTGCACCTAGTCCCTCCAGGG[A>G]CAGCCTGCTGCCCCCTACTCAGGAAATGAGGTCCCCCAGCCCCATGACAGCCTTGCAGCC-3'
Protein context (NP_001274420.1, residues 664-684): LALFAPSPSR[Asp674Gly]SLLPPTQEMR